The following is an entry in ClinVar:

ClinVar aggregate classification (germline): Likely pathogenic (1 of 4 stars; one submission).

Conditions:
Immunodeficiency 19 (IMD19). Also called: CD3-DELTA DEFICIENCY; IMMUNODEFICIENCY 19, SEVERE COMBINED; SEVERE COMBINED IMMUNODEFICIENCY, T CELL-NEGATIVE, B CELL-POSITIVE, NK CELL-POSITIVE; SCID, T CELL-NEGATIVE, B CELL-POSITIVE, NK CELL-POSITIVE. Identifiers: MedGen C3810147, MONDO:0014280, OMIM 615617.

Allele frequency attached by ClinVar (database versions not stated): gnomAD exomes below 0.00001; TOPMed 0.00001.
gnomAD v4.1: 2 of 1,611,084 alleles (0.00012%); highest among the groups gnomAD compares: Non-Finnish European, 0.00017%; no homozygotes.

Submission:

Labcorp Genetics (formerly Invitae), Labcorp
Classification: Likely pathogenic for Immunodeficiency 19. Last evaluated: 2025-10-21. Review status: criteria provided, single submitter. Criteria: Invitae Variant Classification Sherloc (09022015). Collection method: clinical testing. Allele origin: germline.
Comment: This sequence change affects a donor splice site in intron 2 of the CD3D gene. It is expected to disrupt RNA splicing. Variants that disrupt the donor or acceptor splice site typically lead to a loss of protein function (PMID: 16199547), and loss-of-function variants in CD3D are known to be pathogenic (PMID: 14602880, 15546002). This variant is present in population databases (no rsID available, gnomAD 0.0009%). This variant has not been reported in the literature in individuals affected with CD3D-related conditions. ClinVar contains an entry for this variant (Variation ID: 2759883). Algorithms developed to predict the effect of sequence changes on RNA splicing suggest that this variant may disrupt the consensus splice site. In summary, the currently available evidence indicates that the variant is pathogenic, but additional data are needed to prove that conclusively. Therefore, this variant has been classified as Likely Pathogenic.

Literature cited by the submitters: PubMed 16199547; PubMed 14602880; PubMed 15546002.

NM_000732.6(CD3D):c.274+2T>C

Gene: CD3D (CD3 delta subunit of T-cell receptor complex; minus strand). Cytogenetic location: 11q23.3.
Variant type: single nucleotide variant.
Coding change: c.274+2T>C on transcript NM_000732.6 (MANE Select); the canonical splice donor site of the intron after coding-DNA position 274, T replaced by C.
Molecular consequence: splice donor variant.
Genome position (GRCh38, 1-based): chr11:118,340,373, A>G on the plus strand (T>C on the coding strand, the complement: CD3D is on the minus strand). VCF-style: chr11-118340373-A-G. GRCh37 (hg19) VCF-style: chr11-118211088-A-G.
Other names: c.274+2T>C (NM_001040651.2).
Identifiers: ClinVar variation 2759883 (VCV002759883.3), dbSNP rs1262227887, ClinGen allele CA382788962.